The following is an entry in ClinVar:

ClinVar aggregate classification (germline): Uncertain significance (1 of 4 stars; one submission).

Conditions:
Lethal congenital glycogen storage disease of heart. Also called: GLYCOGEN STORAGE DISEASE OF HEART; PHOSPHORYLASE KINASE DEFICIENCY OF HEART. Identifiers: Orphanet 439854, MedGen C1849813, MONDO:0009867, OMIM 261740.

Submission:

Labcorp Genetics (formerly Invitae), Labcorp
Classification: Uncertain significance for Lethal congenital glycogen storage disease of heart. Last evaluated: 2022-11-05. Review status: criteria provided, single submitter. Criteria: Invitae Variant Classification Sherloc (09022015). Collection method: clinical testing. Allele origin: germline.
Comment: In summary, the available evidence is currently insufficient to determine the role of this variant in disease. Therefore, it has been classified as a Variant of Uncertain Significance. Advanced modeling of protein sequence and biophysical properties (such as structural, functional, and spatial information, amino acid conservation, physicochemical variation, residue mobility, and thermodynamic stability) performed at Invitae indicates that this missense variant is not expected to disrupt PRKAG2 protein function. This variant has not been reported in the literature in individuals affected with PRKAG2-related conditions. This variant is not present in population databases (gnomAD no frequency). This sequence change replaces aspartic acid, which is acidic and polar, with asparagine, which is neutral and polar, at codon 49 of the PRKAG2 protein (p.Asp49Asn).

NM_016203.4(PRKAG2):c.145G>A (p.Asp49Asn)

Gene: PRKAG2 (protein kinase AMP-activated non-catalytic subunit gamma 2; minus strand). Cytogenetic location: 7q36.1.
Variant type: single nucleotide variant.
Coding change: c.145G>A on transcript NM_016203.4 (MANE Select); coding-DNA position 145, G replaced by A.
Protein change: p.Asp49Asn; replaces aspartic acid 49 with asparagine.
Molecular consequence: missense variant. On other transcripts: intron variant (1).
Genome position (GRCh38, 1-based): chr7:151,786,511, C>T on the plus strand (G>A on the coding strand, the complement: PRKAG2 is on the minus strand). VCF-style: chr7-151786511-C-T. GRCh37 (hg19) VCF-style: chr7-151483597-C-T.
Other names: c.13G>A, p.Asp5Asn (NM_001040633.2, NM_001407024.1, NM_001407026.1 and 2 more transcripts); c.145G>A, p.Asp49Asn (NM_001407021.1, NM_001407022.1, NM_001407023.1 and 2 more transcripts); c.148+27905G>A (NM_001407032.1); short protein forms D5N, D49N.
Identifiers: ClinVar variation 2812180 (VCV002812180.3), dbSNP rs2537961111, ClinGen allele CA370070060.